The following is an entry in ClinVar:

NM_000089.4(COL1A2):c.2036G>C (p.Gly679Ala)

Gene: COL1A2 (collagen type I alpha 2 chain; plus strand). Cytogenetic location: 7q21.3.
Variant type: single nucleotide variant.
Coding change: c.2036G>C on transcript NM_000089.4 (MANE Select); coding-DNA position 2036, G replaced by C.
Protein change: p.Gly679Ala; replaces glycine 679 with alanine.
Molecular consequence: missense variant.
Genome position (GRCh38, 1-based): chr7:94,419,508, G>C. VCF-style: chr7-94419508-G-C. GRCh37 (hg19) VCF-style: chr7-94048820-G-C.
Other names: short protein forms G679A.
Identifiers: ClinVar variation 1465865 (VCV001465865.6), dbSNP rs2115927860, ClinGen allele CA368223119.

ClinVar aggregate classification (germline): Likely pathogenic (1 of 4 stars; one submission).

Conditions:
Ehlers-Danlos syndrome, classic type, 1 (EDSCL1). Also called: EHLERS-DANLOS SYNDROME, GRAVIS TYPE; EHLERS-DANLOS SYNDROME, SEVERE CLASSIC TYPE; Ehlers-Danlos syndrome, type 1; Ehlers-Danlos Syndrome, Classic Type, COL5A1-Related; EDS I. Identifiers: MedGen C0268335, MONDO:0019567, OMIM 130000.
Osteogenesis imperfecta type I (OI1). Also called: OI, TYPE I; OSTEOGENESIS IMPERFECTA TARDA; OSTEOGENESIS IMPERFECTA WITH BLUE SCLERAE; Osteogenesis imperfecta type 1; Lobstein's Disease; Lobstein disease. Identifiers: Orphanet 216796, Orphanet 666, MedGen C0023931, MONDO:0008146, OMIM 166200. Disease mechanism: loss of function.

Submission:

Labcorp Genetics (formerly Invitae), Labcorp
Classification: Likely pathogenic for Osteogenesis imperfecta type I; Ehlers-Danlos syndrome, classic type, 1. Last evaluated: 2022-08-09. Review status: criteria provided, single submitter. Criteria: Invitae Variant Classification Sherloc (09022015). Collection method: clinical testing. Allele origin: germline.
Comment: Advanced modeling of protein sequence and biophysical properties (such as structural, functional, and spatial information, amino acid conservation, physicochemical variation, residue mobility, and thermodynamic stability) performed at Invitae indicates that this missense variant is expected to disrupt COL1A2 protein function. ClinVar contains an entry for this variant (Variation ID: 1465865). This variant has not been reported in the literature in individuals affected with COL1A2-related conditions. This variant is not present in population databases (gnomAD no frequency). This sequence change replaces glycine, which is neutral and non-polar, with alanine, which is neutral and non-polar, at codon 679 of the COL1A2 protein (p.Gly679Ala). This variant disrupts the triple helix domain of COL1A2. Glycine residues within the Gly-Xaa-Yaa repeats of the triple helix domain are required for the structure and stability of fibrillar collagens (PMID: 7695699, 8218237, 19344236). In COL1A2, variants affecting these glycine residues are significantly enriched in individuals with disease (PMID: 9016532, 17078022) compared to the general population (ExAC). In summary, the currently available evidence indicates that the variant is pathogenic, but additional data are needed to prove that conclusively. Therefore, this variant has been classified as Likely Pathogenic.

Literature cited by the submitters: PubMed 7695699; PubMed 8218237; PubMed 19344236; PubMed 9016532; PubMed 17078022.